The following is an entry in ClinVar:

ClinVar aggregate classification (germline): Conflicting classifications of pathogenicity. Review status: criteria provided, conflicting classifications (1 of 4 stars). 5 submissions from 5 submitters: Pathogenic (4); Uncertain significance (1). Last evaluated 2024-02-17.

Conditions:
Landau-Kleffner syndrome (FESD). Also called: EPILEPSY, FOCAL, WITH SPEECH DISORDER AND WITH OR WITHOUT MENTAL RETARDATION; APHASIA, ACQUIRED, WITH EPILEPSY. Identifiers: Orphanet 1945, Orphanet 725, Orphanet 98818, MedGen C0282512, MONDO:0009509, OMIM 245570.

Allele frequency attached by ClinVar (database versions not stated): gnomAD 0.00003; gnomAD exomes below 0.00001.
gnomAD v4.1: 4 of 1,497,996 alleles (0.00027%); highest among the groups gnomAD compares: Admixed American, 0.0018%; no homozygotes.

Submissions (5):

Labcorp Genetics (formerly Invitae), Labcorp
Classification: Pathogenic for Landau-Kleffner syndrome. Last evaluated: 2024-02-17. Review status: criteria provided, single submitter. Criteria: Invitae Variant Classification Sherloc (09022015). Collection method: clinical testing. Allele origin: germline.
Comment: This sequence change replaces arginine, which is basic and polar, with tryptophan, which is neutral and slightly polar, at codon 504 of the GRIN2A protein (p.Arg504Trp). This variant is present in population databases (no rsID available, gnomAD no frequency). This missense change has been observed in individuals with clinical features of GRIN2A-related conditions (PMID: 23933820; Invitae). ClinVar contains an entry for this variant (Variation ID: 650867). Advanced modeling of protein sequence and biophysical properties (such as structural, functional, and spatial information, amino acid conservation, physicochemical variation, residue mobility, and thermodynamic stability) performed at Invitae indicates that this missense variant is expected to disrupt GRIN2A protein function with a positive predictive value of 95%. Experimental studies have shown that this missense change affects GRIN2A function (PMID: 27839871). For these reasons, this variant has been classified as Pathogenic.

3billion
Classification: Pathogenic for Landau-Kleffner syndrome. Last evaluated: 2023-06-12. Review status: criteria provided, single submitter. Criteria: ACMG Guidelines, 2015. Collection method: clinical testing. Allele origin: germline. Affected: yes.
Comment: The variant is observed at an extremely low frequency in the gnomAD v2.1.1 dataset (total allele frequency: 0.003%). Predicted Consequence/Location: Missense variant Functional studies provide strong evidence of the variant having a damaging effect on the gene or gene product (PMID: 27839871). Same nucleotide change resulting in same amino acid change has been previously reported as pathogenic/likely pathogenic with strong evidence (ClinVar ID: VCV000650867 /PMID: 23933820). Therefore, this variant is classified as Pathogenic according to the recommendation of ACMG/AMP guideline.

Mendelics
Classification: Pathogenic for Landau-Kleffner syndrome. Last evaluated: 2022-05-04. Review status: criteria provided, single submitter. Criteria: Mendelics Assertion Criteria 2019. Collection method: clinical testing. Allele origin: germline.

GeneDx
Classification: Pathogenic. Last evaluated: 2022-04-29. Review status: criteria provided, single submitter. Criteria: GeneDx Variant Classification Process June 2021. Collection method: clinical testing. Allele origin: germline. Affected: yes.
Comment: Published functional studies demonstrate a damaging effect showing impaired GRIN2A protein function through reduced synaptic and non-synaptic charge transfer, as well as reduced glutamate potency, glycine potency and amplitude peak (Swanger et al., 2016); Not observed at a significant frequency in large population cohorts (gnomAD); In silico analysis supports that this missense variant has a deleterious effect on protein structure/function; This variant is associated with the following publications: (PMID: 25498981, 27839871, 24576404, 33240831, 28488083, 25921602, 32144935, 26763624, 23933820)

Blueprint Genetics
Classification: Uncertain significance. Last evaluated: 2021-05-26. Review status: criteria provided, single submitter. Criteria: ACMG Guidelines, 2015. Collection method: clinical testing. Allele origin: germline.

Literature cited by the submitters: PubMed 23933820 (cited by Labcorp Genetics (formerly Invitae), Labcorp and 3billion); PubMed 27839871 (cited by Labcorp Genetics (formerly Invitae), Labcorp and 3billion).

NM_001134407.3(GRIN2A):c.1510C>T (p.Arg504Trp)

Gene: GRIN2A (glutamate ionotropic receptor NMDA type subunit 2A; minus strand). Cytogenetic location: 16p13.2.
Variant type: single nucleotide variant.
Coding change: c.1510C>T on transcript NM_001134407.3 (MANE Select); coding-DNA position 1510, C replaced by T.
Protein change: p.Arg504Trp; replaces arginine 504 with tryptophan.
Molecular consequence: missense variant.
Genome position (GRCh38, 1-based): chr16:9,840,788, G>A on the plus strand (C>T on the coding strand, the complement: GRIN2A is on the minus strand). VCF-style: chr16-9840788-G-A. GRCh37 (hg19) VCF-style: chr16-9934645-G-A.
Other names: c.1510C>T, p.Arg504Trp (NM_000833.5, NM_001134408.2); short protein forms R504W.
Identifiers: ClinVar variation 650867 (VCV000650867.13), dbSNP rs1360906241, ClinGen allele CA394800472.